The following is an entry in ClinVar:

NM_016401.4(HIKESHI):c.497G>T (p.Ser166Ile)

Gene: HIKESHI (heat shock protein nuclear import factor hikeshi; plus strand). Cytogenetic location: 11q14.2.
Variant type: single nucleotide variant.
Coding change: c.497G>T on transcript NM_016401.4 (MANE Select); coding-DNA position 497, G replaced by T.
Protein change: p.Ser166Ile; replaces serine 166 with isoleucine.
Molecular consequence: missense variant. On other transcripts: non-coding transcript variant (3).
Genome position (GRCh38, 1-based): chr11:86,344,679, G>T. VCF-style: chr11-86344679-G-T. GRCh37 (hg19) VCF-style: chr11-86055721-G-T.
Other names: c.437G>T, p.Ser146Ile (NM_001322404.2); c.380G>T, p.Ser127Ile (NM_001322407.2, NM_001322409.2); short protein forms S127I, S146I, S166I.
Identifiers: ClinVar variation 4848734 (VCV004848734.1).

ClinVar aggregate classification (germline): Uncertain significance (1 of 4 stars; one submission).

Submission:

Women's Health and Genetics/Laboratory Corporation of America, LabCorp
Classification: Uncertain significance. Last evaluated: 2026-04-08. Review status: criteria provided, single submitter. Criteria: LabCorp Variant Classification Summary - May 2015. Collection method: clinical testing. Allele origin: germline.
Comment: Variant summary: HIKESHI c.497G>T (p.Ser166Ile) results in a non-conservative amino acid change in the encoded protein sequence. Algorithms developed to predict the effect of missense changes on protein structure and function are either unavailable or do not agree on the potential impact of this missense change. The variant was absent in 251092 control chromosomes. The available data on variant occurrences in the general population are insufficient to allow any conclusion about variant significance. To our knowledge, no occurrence of c.497G>T in individuals affected with HIKESHI-related conditions and no experimental evidence demonstrating its impact on protein function have been reported. No submitters have cited clinical-significance assessments for this variant to ClinVar. Based on the evidence outlined above, the variant was classified as uncertain significance.